The following is an entry in ClinVar:

NM_005228.5(EGFR):c.671G>T (p.Arg224Leu)

Gene: EGFR (epidermal growth factor receptor; plus strand). Cytogenetic location: 7p11.2.
Variant type: single nucleotide variant.
Coding change: c.671G>T on transcript NM_005228.5 (MANE Select); coding-DNA position 671, G replaced by T.
Protein change: p.Arg224Leu; replaces arginine 224 with leucine.
Molecular consequence: missense variant. On other transcripts: intron variant (1).
Genome position (GRCh38, 1-based): chr7:55,152,588, G>T. VCF-style: chr7-55152588-G-T. GRCh37 (hg19) VCF-style: chr7-55220281-G-T.
Other names: c.536G>T, p.Arg179Leu (NM_001346897.2, NM_001346899.2); c.671G>T, p.Arg224Leu (NM_001346898.2, NM_201282.2, NM_201283.2 and 1 more transcripts); c.512G>T, p.Arg171Leu (NM_001346900.2); c.89-3242G>T (NM_001346941.2); short protein forms R171L, R179L, R224L.
Identifiers: ClinVar variation 3709492 (VCV003709492.2).

ClinVar aggregate classification (germline): Uncertain significance (1 of 4 stars; one submission).

Conditions:
EGFR-related lung cancer (EGFR). Identifiers: MedGen CN130014.

Submission:

Labcorp Genetics (formerly Invitae), Labcorp
Classification: Uncertain significance for EGFR-related lung cancer. Last evaluated: 2024-09-12. Review status: criteria provided, single submitter. Criteria: Invitae Variant Classification Sherloc (09022015). Collection method: clinical testing. Allele origin: germline.
Comment: This sequence change replaces arginine, which is basic and polar, with leucine, which is neutral and non-polar, at codon 224 of the EGFR protein (p.Arg224Leu). This variant is not present in population databases (gnomAD no frequency). This variant has not been reported in the literature in individuals affected with EGFR-related conditions. Invitae Evidence Modeling of protein sequence and biophysical properties (such as structural, functional, and spatial information, amino acid conservation, physicochemical variation, residue mobility, and thermodynamic stability) has been performed for this missense variant. However, the output from this modeling did not meet the statistical confidence thresholds required to predict the impact of this variant on EGFR protein function. In summary, the available evidence is currently insufficient to determine the role of this variant in disease. Therefore, it has been classified as a Variant of Uncertain Significance.